The following is an entry in ClinVar:

ClinVar aggregate classification (germline): Uncertain significance (1 of 4 stars; one submission).

Conditions:
Cardiovascular phenotype. Identifiers: MedGen CN230736.

gnomAD v4.1: 2 of 1,614,120 alleles (0.00012%); highest among the groups gnomAD compares: African/African-American, 0.0027%; no homozygotes.

Submission:

Ambry Genetics
Classification: Uncertain significance for Cardiovascular phenotype. Last evaluated: 2025-08-03. Review status: criteria provided, single submitter. Criteria: Ambry Variant Classification Scheme 2023. Collection method: clinical testing. Allele origin: germline.
Comment: The p.G359R variant (also known as c.1075G>C), located in coding exon 9 of the VCL gene, results from a G to C substitution at nucleotide position 1075. The glycine at codon 359 is replaced by arginine, an amino acid with dissimilar properties. This amino acid position is conserved. In addition, this alteration is predicted to be deleterious by in silico analysis. Based on the available evidence, the clinical significance of this variant remains unclear.

NM_014000.3(VCL):c.1075G>C (p.Gly359Arg)

Gene: VCL (vinculin; plus strand). Cytogenetic location: 10q22.2.
Variant type: single nucleotide variant.
Coding change: c.1075G>C on transcript NM_014000.3 (MANE Select); coding-DNA position 1075, G replaced by C.
Protein change: p.Gly359Arg; replaces glycine 359 with arginine.
Molecular consequence: missense variant.
Genome position (GRCh38, 1-based): chr10:74,089,248, G>C. VCF-style: chr10-74089248-G-C. GRCh37 (hg19) VCF-style: chr10-75849006-G-C.
Other names: c.1075G>C, p.Gly359Arg (NM_003373.4); short protein forms G359R.
Identifiers: ClinVar variation 4198550 (VCV004198550.1).
Genomic context (GRCh38, chr10:74,089,248, plus strand): 5'-TTGAGCAGAGGACAAGGATCCTCACCGGTGGCCATGCAGAAAGCTCAGCAGGTATCTCAG[G>C]GTCTGGATGTGCTCACAGCAAAAGTGGAAAATGCAGCTCGCAAGCTGGAAGCCATGACCA-3'
Protein context (NP_054706.1, residues 349-369): AMQKAQQVSQ[Gly359Arg]LDVLTAKVEN